The following is an entry in ClinVar:

ClinVar aggregate classification (germline): Benign. Review status: criteria provided, multiple submitters, no conflicts (2 of 4 stars). 8 submissions from 7 submitters: Benign (7). 1 of the submissions does not count toward it. Last evaluated 2026-02-03.

Conditions:
Colorectal cancer. Also called: Colorectal cancer, somatic; Malignant Colorectal Neoplasm. Identifiers: MedGen C0346629, MONDO:0005575, OMIM 114500.
Premature chromatid separation trait (PCS). Also called: TOTAL PREMATURE CHROMATID SEPARATION TRAIT. Identifiers: MedGen C1864389, MONDO:0008304, OMIM 176430.
Mosaic variegated aneuploidy syndrome 1 (MVA1). Also called: Warburton-Anyane-Yeboa syndrome. Identifiers: Orphanet 1052, MedGen C1850343, MONDO:0009759, OMIM 257300.

Allele frequency attached by ClinVar (database versions not stated): gnomAD exomes 0.00809 and 0.02044; ExAC 0.02508; gnomAD 0.07984 and 0.08536; ESP Exome Variant Server 0.08727; TOPMed 0.08983; 1000 Genomes Project 0.09285; 1000 Genomes Project 30x 0.09666.
gnomAD v4.1: 24,512 of 1,614,076 alleles (1.5%); highest among the groups gnomAD compares: African/African-American, 28%; 2,953 homozygotes.

Submissions (8):

Labcorp Genetics (formerly Invitae), Labcorp
Classification: Benign for Mosaic variegated aneuploidy syndrome 1. Last evaluated: 2026-02-03. Review status: criteria provided, single submitter. Criteria: Invitae Variant Classification Sherloc (09022015). Collection method: clinical testing. Allele origin: germline.

KCCC/NGS Laboratory, Kuwait Cancer Control Center
Classification: Benign for Premature chromatid separation trait. Last evaluated: 2025-02-01. Review status: criteria provided, single submitter. Criteria: ACMG Guidelines, 2015. Collection method: clinical testing. Allele origin: germline. Affected: no.

KCCC/NGS Laboratory, Kuwait Cancer Control Center
Classification: Benign for Colorectal cancer. Last evaluated: 2023-07-07. Review status: criteria provided, single submitter. Criteria: ACMG Guidelines, 2015. Collection method: clinical testing. Allele origin: germline. Affected: yes.

Mayo Clinic Laboratories, Mayo Clinic
Classification: Benign. Last evaluated: 2021-04-26. Review status: criteria provided, single submitter. Criteria: ACMG Guidelines, 2015. Collection method: clinical testing. Allele origin: germline. Observed: 9 variant alleles.

GeneDx
Classification: Benign. Last evaluated: 2019-04-24. Review status: criteria provided, single submitter. Criteria: GeneDx Variant Classification Process June 2021. Collection method: clinical testing. Allele origin: germline. Affected: yes.

Breakthrough Genomics
Classification: Benign. Review status: criteria provided, single submitter. Criteria: ACMG Guidelines, 2015. Collection method: not provided. Allele origin: germline. Inheritance: Autosomal dominant inheritance. Affected: yes.

PreventionGenetics, part of Exact Sciences
Classification: Benign. Review status: criteria provided, single submitter. Criteria: ACMG Guidelines, 2015. Collection method: clinical testing. Allele origin: germline.

ITMI
No classification provided. Condition: AllHighlyPenetrant. Last evaluated: 2013-09-19. Review status: no classification provided. Collection method: reference population. Allele origin: germline. Not counted in ClinVar's aggregate classification.
Comment: Please see associated publication for description of ethnicities

Literature cited by the submitters: PubMed 24728327 (cited by ITMI).

NM_001211.6(BUB1B):c.1853T>C (p.Val618Ala)

Gene: BUB1B (BUB1 mitotic checkpoint serine/threonine kinase B; plus strand). Cytogenetic location: 15q15.1.
Variant type: single nucleotide variant.
Coding change: c.1853T>C on transcript NM_001211.6 (MANE Select); coding-DNA position 1853, T replaced by C.
Protein change: p.Val618Ala; replaces valine 618 with alanine.
Molecular consequence: missense variant.
Genome position (GRCh38, 1-based): chr15:40,206,302, T>C. VCF-style: chr15-40206302-T-C. GRCh37 (hg19) VCF-style: chr15-40498503-T-C.
Other names: short protein forms V618A.
Identifiers: ClinVar variation 133769 (VCV000133769.18), dbSNP rs1801528, ClinGen allele CA157756.